The following is an entry in ClinVar:

ClinVar aggregate classification (germline): Likely benign. Review status: criteria provided, multiple submitters, no conflicts (2 of 4 stars). 2 submissions from 2 submitters: Likely benign (2). Last evaluated 2026-05-06.

Conditions:
Charcot-Marie-Tooth disease axonal type 2O. Also called: CHARCOT-MARIE-TOOTH NEUROPATHY, AXONAL, TYPE 2O; CHARCOT-MARIE-TOOTH DISEASE, AXONAL, AUTOSOMAL DOMINANT, TYPE 2O; Charcot-Marie-Tooth disease, axonal, type 20; Charcot-Marie-Tooth Neuropathy Type 2O. Identifiers: Orphanet 284232, MedGen C3280220, MONDO:0013644, OMIM 614228.
DYNC1H1-related disorder. Also called: DYNC1H1-related disorders; DYNC1H1-related condition. Identifiers: MedGen CN381529.

Allele frequency attached by ClinVar (database versions not stated): gnomAD exomes below 0.00001; ExAC 0.00002; TOPMed 0.00002.
gnomAD v4.1: 4 of 1,613,950 alleles (0.00025%); highest among the groups gnomAD compares: African/African-American, 0.0053%; no homozygotes.

Submissions (2):

PreventionGenetics, part of Exact Sciences
Classification: Likely benign for DYNC1H1-related condition. Last evaluated: 2026-05-06. Review status: criteria provided, single submitter. Criteria: ACMG Guidelines, 2015. Collection method: clinical testing. Allele origin: germline.
Comment: This variant is classified as likely benign based on ACMG/AMP sequence variant interpretation guidelines (Richards et al. 2015 PMID: 25741868, with internal and published modifications).

Labcorp Genetics (formerly Invitae), Labcorp
Classification: Likely benign for Charcot-Marie-Tooth disease axonal type 2O. Last evaluated: 2024-10-22. Review status: criteria provided, single submitter. Criteria: Invitae Variant Classification Sherloc (09022015). Collection method: clinical testing. Allele origin: germline.

NM_001376.5(DYNC1H1):c.12215-9C>T

Gene: DYNC1H1 (dynein cytoplasmic 1 heavy chain 1; plus strand). Cytogenetic location: 14q32.31.
Variant type: single nucleotide variant.
Coding change: c.12215-9C>T on transcript NM_001376.5 (MANE Select); 9 bases into the intron before coding-DNA position 12215, C replaced by T.
Molecular consequence: intron variant.
Genome position (GRCh38, 1-based): chr14:102,042,219, C>T. VCF-style: chr14-102042219-C-T. GRCh37 (hg19) VCF-style: chr14-102508556-C-T.
Other names: c.12215-9C>T (NM_001376.4).
Identifiers: ClinVar variation 1458644 (VCV001458644.9), dbSNP rs755152554, ClinGen allele CA7353873.